The following is an entry in ClinVar:

NM_017950.4(CCDC40):c.1280C>A (p.Thr427Lys)

Gene: CCDC40 (coiled-coil domain 40 molecular ruler complex subunit; plus strand). Cytogenetic location: 17q25.3.
Variant type: single nucleotide variant.
Coding change: c.1280C>A on transcript NM_017950.4 (MANE Select); coding-DNA position 1280, C replaced by A.
Protein change: p.Thr427Lys; replaces threonine 427 with lysine.
Molecular consequence: missense variant.
Genome position (GRCh38, 1-based): chr17:80,058,614, C>A. VCF-style: chr17-80058614-C-A. GRCh37 (hg19) VCF-style: chr17-78032413-C-A.
Other names: c.1280C>A, p.Thr427Lys (NM_001243342.2, NM_001330508.2); short protein forms T427K.
Identifiers: ClinVar variation 1962272 (VCV001962272.5), dbSNP rs370720427, ClinGen allele CA8813761.
Genomic context (GRCh38, chr17:80,058,614, plus strand): 5'-TCGACCAGGACATGCGTGACGACATCCGCGTGATGACACAAGTGGTAAAGAAGGCCGAGA[C>A]GGAGAGGATCCGGGCAGAAATCGAGAAGAAAAAGCAGGTATTCTGCAAACTCGACACATG-3'
Protein context (NP_060420.2, residues 417-437): VMTQVVKKAE[Thr427Lys]ERIRAEIEKK

ClinVar aggregate classification (germline): Uncertain significance (1 of 4 stars; one submission).

Conditions:
Primary ciliary dyskinesia. Also called: Ciliary dyskinesia. Identifiers: Orphanet 244, MedGen C0008780, MONDO:0016575, HP:0012265.

gnomAD v4.1: 4 of 1,614,208 alleles (0.00025%); highest among the groups gnomAD compares: South Asian, 0.0044%; no homozygotes.

Submission:

Labcorp Genetics (formerly Invitae), Labcorp
Classification: Uncertain significance for Primary ciliary dyskinesia. Last evaluated: 2022-05-07. Review status: criteria provided, single submitter. Criteria: Invitae Variant Classification Sherloc (09022015). Collection method: clinical testing. Allele origin: germline.
Comment: In summary, the available evidence is currently insufficient to determine the role of this variant in disease. Therefore, it has been classified as a Variant of Uncertain Significance. Algorithms developed to predict the effect of missense changes on protein structure and function (SIFT, PolyPhen-2, Align-GVGD) all suggest that this variant is likely to be tolerated. This variant has not been reported in the literature in individuals affected with CCDC40-related conditions. This variant is present in population databases (rs370720427, gnomAD 0.01%). This sequence change replaces threonine, which is neutral and polar, with lysine, which is basic and polar, at codon 427 of the CCDC40 protein (p.Thr427Lys).